The following is an entry in ClinVar:

ClinVar aggregate classification (germline): Uncertain significance. Review status: criteria provided, multiple submitters, no conflicts (2 of 4 stars). 2 submissions from 2 submitters: Uncertain significance (2). Last evaluated 2024-08-05.

Conditions:
Emery-Dreifuss muscular dystrophy 4, autosomal dominant (EDMD4). Also called: EMERY-DREIFUSS MUSCULAR DYSTROPHY 4 WITH VARIABLE FEATURES. Identifiers: Orphanet 261, MedGen C2751807, MONDO:0013071, OMIM 612998.
Autosomal recessive ataxia, Beauce type. Also called: Spinocerebellar ataxia, autosomal recessive 8; ATAXIA, RECESSIVE, OF BEAUCE; SYNE1 Deficiency; SYNE1-Related Autosomal Recessive Cerebellar Ataxia. Identifiers: Orphanet 88644, MedGen C1853116, MONDO:0012549, OMIM 610743.

Allele frequency attached by ClinVar (database versions not stated): gnomAD 0.00001; ESP Exome Variant Server 0.00008.
gnomAD v4.1: 24 of 1,613,942 alleles (0.0015%); highest among the groups gnomAD compares: Non-Finnish European, 0.0019%; no homozygotes.

Submissions (2):

Labcorp Genetics (formerly Invitae), Labcorp
Classification: Uncertain significance for Emery-Dreifuss muscular dystrophy 4, autosomal dominant; Autosomal recessive ataxia, Beauce type. Last evaluated: 2024-08-05. Review status: criteria provided, single submitter. Criteria: Invitae Variant Classification Sherloc (09022015). Collection method: clinical testing. Allele origin: germline.
Comment: This sequence change replaces glutamine, which is neutral and polar, with leucine, which is neutral and non-polar, at codon 4580 of the SYNE1 protein (p.Gln4580Leu). This variant is present in population databases (rs374697325, gnomAD 0.004%). This variant has not been reported in the literature in individuals affected with SYNE1-related conditions. ClinVar contains an entry for this variant (Variation ID: 1440342). An algorithm developed to predict the effect of missense changes on protein structure and function (PolyPhen-2) suggests that this variant is likely to be disruptive. In summary, the available evidence is currently insufficient to determine the role of this variant in disease. Therefore, it has been classified as a Variant of Uncertain Significance.

Women's Health and Genetics/Laboratory Corporation of America, LabCorp
Classification: Uncertain significance. Last evaluated: 2024-03-11. Review status: criteria provided, single submitter. Criteria: LabCorp Variant Classification Summary - May 2015. Collection method: clinical testing. Allele origin: germline.
Comment: Variant summary: SYNE1 c.13739A>T (p.Gln4580Leu) results in a non-conservative amino acid change in the encoded protein sequence. Four of five in-silico tools predict a damaging effect of the variant on protein function. The variant allele was found at a frequency of 2e-05 in 250744 control chromosomes (gnomAD). The available data on variant occurrences in the general population are insufficient to allow any conclusion about variant significance. To our knowledge, no occurrence of c.13739A>T in individuals affected with SYNE1-Related Disorders and no experimental evidence demonstrating its impact on protein function have been reported. ClinVar contains an entry for this variant (Variation ID: 1440342). Based on the evidence outlined above, the variant was classified as uncertain significance.

NM_182961.4(SYNE1):c.13952A>T (p.Gln4651Leu)

Gene: SYNE1 (spectrin repeat containing nuclear envelope protein 1; minus strand). Cytogenetic location: 6q25.2.
Variant type: single nucleotide variant.
Coding change: c.13952A>T on transcript NM_182961.4 (MANE Select); coding-DNA position 13952, A replaced by T.
Protein change: p.Gln4651Leu; replaces glutamine 4651 with leucine.
Molecular consequence: missense variant.
Genome position (GRCh38, 1-based): chr6:152,330,733, T>A on the plus strand (A>T on the coding strand, the complement: SYNE1 is on the minus strand). VCF-style: chr6-152330733-T-A. GRCh37 (hg19) VCF-style: chr6-152651868-T-A.
Other names: c.13739A>T, p.Gln4580Leu (NM_033071.5); short protein forms Q4580L, Q4651L.
Identifiers: ClinVar variation 1440342 (VCV001440342.9), dbSNP rs374697325, ClinGen allele CA4056095.